The following is an entry in ClinVar:

ClinVar aggregate classification (germline): Uncertain significance (1 of 4 stars; one submission).

Submission:

Women's Health and Genetics/Laboratory Corporation of America, LabCorp
Classification: Uncertain significance. Last evaluated: 2024-03-25. Review status: criteria provided, single submitter. Criteria: LabCorp Variant Classification Summary - May 2015. Collection method: clinical testing. Allele origin: germline.
Comment: Variant summary: LZTR1 c.2422delA (p.Thr808ProfsX5) results in a premature termination codon in the last exon, predicted to cause a truncation of the encoded protein, however the molecular mechanism of disease attributed to LZTR1 is gain-of-function. The variant was absent in 250210 control chromosomes. The available data on variant occurrences in the general population are insufficient to allow any conclusion about variant significance. To our knowledge, no occurrence of c.2422delA in individuals affected with Noonan Syndrome and no experimental evidence demonstrating its impact on protein function have been reported. No submitters have cited clinical-significance assessments for this variant to ClinVar. Based on the evidence outlined above, the variant was classified as uncertain significance.

NM_006767.4(LZTR1):c.2422del (p.Thr808fs)

Gene: LZTR1 (leucine zipper like post translational regulator 1; plus strand). Cytogenetic location: 22q11.21.
Variant type: Deletion.
Coding change: c.2422del on transcript NM_006767.4 (MANE Select); coding-DNA position 2422, one base deleted (A; older notation c.2422delA).
Protein change: p.Thr808fs; shifts the reading frame from threonine 808.
Molecular consequence: frameshift variant.
Genome position (GRCh38, 1-based): chr22:20,997,247, A deleted. VCF-style (leftmost placement, unchanged base first): chr22-20997246-CA-C. GRCh37 (hg19) VCF-style: chr22-21351535-CA-C.
Other names: c.2422delA (NM_006767.4); short protein forms T808fs.
Identifiers: ClinVar variation 3233789 (VCV003233789.2), dbSNP rs2518626636, ClinGen allele CA2825002860.